The following is an entry in ClinVar:

ClinVar aggregate classification (germline): Uncertain significance (1 of 4 stars; one submission).

Submission:

GeneDx
Classification: Uncertain significance. Last evaluated: 2023-11-17. Review status: criteria provided, single submitter. Criteria: GeneDx Variant Classification Process June 2021. Collection method: clinical testing. Allele origin: germline. Affected: yes.
Comment: Not observed at significant frequency in large population cohorts (gnomAD); In silico analysis supports that this missense variant does not alter protein structure/function; Has not been previously published as pathogenic or benign in association with specific clinical features to our knowledge; This variant is associated with the following publications: (PMID: 8486616, 33726816)

NM_024426.6(WT1):c.438A>T (p.Lys146Asn)

Genes: WT1 (WT1 transcription factor; minus strand), LOC107982234 (WT1/WT1-AS bi-directional promoter region; plus strand). Cytogenetic location: 11p13.
Variant type: single nucleotide variant.
Coding change: c.438A>T on transcript NM_024426.6 (MANE Select); coding-DNA position 438, A replaced by T.
Protein change: p.Lys146Asn; replaces lysine 146 with asparagine.
Molecular consequence: missense variant. On other transcripts: non-coding transcript variant (2).
Genome position (GRCh38, 1-based): chr11:32,434,923, T>A on the plus strand (A>T on the coding strand, the complement: WT1 is on the minus strand). VCF-style: chr11-32434923-T-A. GRCh37 (hg19) VCF-style: chr11-32456469-T-A.
Other names: c.438A>T, p.Lys146Asn (NM_000378.6, NM_001407044.1, NM_001407045.1 and 6 more transcripts); c.219A>T, p.Lys73Asn (NM_001429031.1, NM_001429032.1, NM_001429033.1 and 1 more transcripts); short protein forms K141N, K146N, K73N.
Identifiers: ClinVar variation 3343946 (VCV003343946.1).